The following is an entry in ClinVar:

ClinVar aggregate classification (germline): Uncertain significance (1 of 4 stars; one submission).

Conditions:
Primary dilated cardiomyopathy (DCM). Also called: Dilated Cardiomyopathy. Identifiers: Orphanet 217604, MedGen C0007193, MeSH D002311, MONDO:0005021, HP:0001644. Inheritance: Various modes of inheritance.

gnomAD v4.1: 4 of 1,614,188 alleles (0.00025%); highest among the groups gnomAD compares: Non-Finnish European, 0.00034%; no homozygotes.

Submission:

Labcorp Genetics (formerly Invitae), Labcorp
Classification: Uncertain significance for Primary dilated cardiomyopathy. Last evaluated: 2020-08-07. Review status: criteria provided, single submitter. Criteria: Invitae Variant Classification Sherloc (09022015). Collection method: clinical testing. Allele origin: germline.
Comment: In summary, the available evidence is currently insufficient to determine the role of this variant in disease. Therefore, it has been classified as a Variant of Uncertain Significance. Algorithms developed to predict the effect of missense changes on protein structure and function (SIFT, PolyPhen-2, Align-GVGD) all suggest that this variant is likely to be tolerated, but these predictions have not been confirmed by published functional studies and their clinical significance is uncertain. This variant has not been reported in the literature in individuals with TXNRD2-related conditions. This variant is not present in population databases (ExAC no frequency). This sequence change replaces serine with asparagine at codon 160 of the TXNRD2 protein (p.Ser160Asn). The serine residue is highly conserved and there is a small physicochemical difference between serine and asparagine.

NM_006440.5(TXNRD2):c.479G>A (p.Ser160Asn)

Gene: TXNRD2 (thioredoxin reductase 2; minus strand). Cytogenetic location: 22q11.21.
Variant type: single nucleotide variant.
Coding change: c.479G>A on transcript NM_006440.5 (MANE Select); coding-DNA position 479, G replaced by A.
Protein change: p.Ser160Asn; replaces serine 160 with asparagine.
Molecular consequence: missense variant. On other transcripts: non-coding transcript variant (1).
Genome position (GRCh38, 1-based): chr22:19,915,814, C>T on the plus strand (G>A on the coding strand, the complement: TXNRD2 is on the minus strand). VCF-style: chr22-19915814-C-T. GRCh37 (hg19) VCF-style: chr22-19903337-C-T.
Other names: c.479G>A, p.Ser160Asn (NM_001282512.3); c.476G>A, p.Ser159Asn (NM_001352300.2); c.389G>A, p.Ser130Asn (NM_001352301.2); c.191G>A, p.Ser64Asn (NM_001352302.2); c.383G>A, p.Ser128Asn (NM_001352303.2); short protein forms S159N, S160N, S128N, S130N, S64N.
Identifiers: ClinVar variation 1045638 (VCV001045638.7), dbSNP rs1255947483, ClinGen allele CA410692658.